The following is an entry in ClinVar:

ClinVar aggregate classification (germline): Conflicting classifications of pathogenicity. Review status: criteria provided, conflicting classifications (1 of 4 stars). 2 submissions from 2 submitters: Uncertain significance (1); Likely benign (1). Last evaluated 2024-06-13.

Allele frequency attached by ClinVar (database versions not stated): gnomAD exomes below 0.00001; TOPMed below 0.00001.
gnomAD v4.1: 3 of 1,208,898 alleles (0.00025%); highest among the groups gnomAD compares: East Asian, 0.003%; no homozygotes.

Submissions (2):

Ambry Genetics
Classification: Uncertain significance. Last evaluated: 2024-06-13. Review status: criteria provided, single submitter. Criteria: Ambry Variant Classification Scheme 2023. Collection method: clinical testing. Allele origin: germline.

CeGaT Center for Human Genetics Tuebingen
Classification: Likely benign. Last evaluated: 2023-03-01. Review status: criteria provided, single submitter. Criteria: CeGaT Center For Human Genetics Tuebingen Variant Classification Criteria Version 2. Collection method: clinical testing. Allele origin: germline. Affected: yes. Observed: 2 variant alleles.
Comment: CLIC2: BS2

NM_001289.6(CLIC2):c.641G>A (p.Arg214His)

Gene: CLIC2 (CLIC family member 2; minus strand). Cytogenetic location: Xq28.
Variant type: single nucleotide variant.
Coding change: c.641G>A on transcript NM_001289.6 (MANE Select); coding-DNA position 641, G replaced by A.
Protein change: p.Arg214His; replaces arginine 214 with histidine.
Molecular consequence: missense variant.
Genome position (GRCh38, 1-based): chrX:155,278,006, C>T on the plus strand (G>A on the coding strand, the complement: CLIC2 is on the minus strand). VCF-style: chrX-155278006-C-T. GRCh37 (hg19) VCF-style: chrX-154507295-C-T.
Other names: c.641G>A (NM_001289.4); short protein forms R214H.
Identifiers: ClinVar variation 2661877 (VCV002661877.25), dbSNP rs1032630286, ClinGen allele CA337223933.
Genomic context (GRCh38, chrX:155,278,006, plus strand): 5'-TCTTTGTCTTCAGGACACGTGTGGGTAAATTCTTCACGGGCATAGGCATTGTGGAGATAA[C>T]GCCAGACTCCTGAGAATTCTGCTGGAATGTCAAAGTCACGATATTTCTTGGCAGCAACCT-3'
Protein context (NP_001280.3, residues 204-224): DIPAEFSGVW[Arg214His]YLHNAYAREE